The following is an entry in ClinVar:

NM_014855.3(AP5Z1):c.628C>A (p.Pro210Thr)

Gene: AP5Z1 (adaptor related protein complex 5 subunit zeta 1; plus strand). Cytogenetic location: 7p22.1.
Variant type: single nucleotide variant.
Coding change: c.628C>A on transcript NM_014855.3 (MANE Select); coding-DNA position 628, C replaced by A.
Protein change: p.Pro210Thr; replaces proline 210 with threonine.
Molecular consequence: missense variant. On other transcripts: non-coding transcript variant (1).
Genome position (GRCh38, 1-based): chr7:4,784,209, C>A. VCF-style: chr7-4784209-C-A. GRCh37 (hg19) VCF-style: chr7-4823840-C-A.
Other names: c.160C>A, p.Pro54Thr (NM_001364858.1); c.628C>A, p.Pro210Thr (LRG_1247t1); short protein forms P210T, P54T.
Identifiers: ClinVar variation 567666 (VCV000567666.8), dbSNP rs773542837, ClinGen allele CA366660206.

ClinVar aggregate classification (germline): Uncertain significance (1 of 4 stars; one submission).

Conditions:
Hereditary spastic paraplegia 48. Also called: SPASTIC PARAPLEGIA 48, AUTOSOMAL RECESSIVE; Spastic paraplegia 48. Identifiers: Orphanet 306511, MedGen C3150901, MONDO:0013342, OMIM 613647.

Submission:

Labcorp Genetics (formerly Invitae), Labcorp
Classification: Uncertain significance for Hereditary spastic paraplegia 48. Last evaluated: 2018-06-26. Review status: criteria provided, single submitter. Criteria: Invitae Variant Classification Sherloc (09022015). Collection method: clinical testing. Allele origin: germline.
Comment: In summary, the available evidence is currently insufficient to determine the role of this variant in disease. Therefore, it has been classified as a Variant of Uncertain Significance. Algorithms developed to predict the effect of missense changes on protein structure and function (SIFT, PolyPhen-2, Align-GVGD) all suggest that this variant is likely to be disruptive, but these predictions have not been confirmed by published functional studies and their clinical significance is uncertain. This variant has not been reported in the literature in individuals with AP5Z1-related disease. This variant is not present in population databases (ExAC no frequency). This sequence change replaces proline with threonine at codon 210 of the AP5Z1 protein (p.Pro210Thr). The proline residue is highly conserved and there is a small physicochemical difference between proline and threonine.